The following is an entry in ClinVar:

ClinVar aggregate classification (germline): Uncertain significance. Review status: criteria provided, multiple submitters, no conflicts (2 of 4 stars). 3 submissions from 3 submitters: Uncertain significance (3). Last evaluated 2025-12-07.

Conditions:
Cardiovascular phenotype. Identifiers: MedGen CN230736.

Allele frequency attached by ClinVar (database versions not stated): ExAC 0.00002; gnomAD exomes 0.00002.

Submissions (3):

Labcorp Genetics (formerly Invitae), Labcorp
Classification: Uncertain significance. Last evaluated: 2025-12-07. Review status: criteria provided, single submitter. Criteria: Invitae Variant Classification Sherloc (09022015). Collection method: clinical testing. Allele origin: germline.
Comment: This sequence change replaces leucine, which is neutral and non-polar, with valine, which is neutral and non-polar, at codon 426 of the ABCG8 protein (p.Leu426Val). This variant is present in population databases (rs763933834, gnomAD 0.04%). This variant has not been reported in the literature in individuals affected with ABCG8-related conditions. ClinVar contains an entry for this variant (Variation ID: 1163792). Invitae Evidence Modeling of protein sequence and biophysical properties (such as structural, functional, and spatial information, amino acid conservation, physicochemical variation, residue mobility, and thermodynamic stability) indicates that this missense variant is not expected to disrupt ABCG8 protein function with a negative predictive value of 80%. In summary, the available evidence is currently insufficient to determine the role of this variant in disease. Therefore, it has been classified as a Variant of Uncertain Significance.

Ambry Genetics
Classification: Uncertain significance for Cardiovascular phenotype. Last evaluated: 2023-10-20. Review status: criteria provided, single submitter. Criteria: Ambry Variant Classification Scheme 2023. Collection method: clinical testing. Allele origin: germline.
Comment: The p.L426V variant (also known as c.1276C>G), located in coding exon 9 of the ABCG8 gene, results from a C to G substitution at nucleotide position 1276. The leucine at codon 426 is replaced by valine, an amino acid with highly similar properties. This amino acid position is conserved. In addition, this alteration is predicted to be tolerated by in silico analysis. Since supporting evidence is limited at this time, the clinical significance of this alteration remains unclear.

Mayo Clinic Laboratories, Mayo Clinic
Classification: Uncertain significance. Last evaluated: 2019-11-18. Review status: criteria provided, single submitter. Criteria: ACMG Guidelines, 2015. Collection method: clinical testing. Allele origin: germline. Observed: 1 variant allele.

NM_022437.3(ABCG8):c.1276C>G (p.Leu426Val)

Gene: ABCG8 (ATP binding cassette subfamily G member 8; plus strand). Cytogenetic location: 2p21.
Variant type: single nucleotide variant.
Coding change: c.1276C>G on transcript NM_022437.3 (MANE Select); coding-DNA position 1276, C replaced by G.
Protein change: p.Leu426Val; replaces leucine 426 with valine.
Molecular consequence: missense variant.
Genome position (GRCh38, 1-based): chr2:43,873,851, C>G. VCF-style: chr2-43873851-C-G. GRCh37 (hg19) VCF-style: chr2-44100990-C-G.
Other names: c.1273C>G, p.Leu425Val (NM_001357321.2); short protein forms L425V, L426V.
Identifiers: ClinVar variation 1163792 (VCV001163792.7), dbSNP rs763933834, ClinGen allele CA1637386.
Genomic context (GRCh38, chr2:43,873,851, plus strand): 5'-CAGATTTCCAACGACTTCCGAGACCTGCCCACCCTCCTCATCCATGGGGCGGAGGCCTGT[C>G]TGATGTCAATGACCATCGGCTTCCTCTATTTTGGCCATGGGAGCATCCAGCTCTCCTTCA-3'
Protein context (NP_071882.1, residues 416-436): TLLIHGAEAC[Leu426Val]MSMTIGFLYF